The following is an entry in ClinVar:

NM_000539.3(RHO):c.934C>T (p.Gln312Ter)

Gene: RHO (rhodopsin; plus strand). Cytogenetic location: 3q22.1.
Variant type: single nucleotide variant.
Coding change: c.934C>T on transcript NM_000539.3 (MANE Select); coding-DNA position 934, C replaced by T.
Protein change: p.Gln312Ter; replaces glutamine 312 with a stop codon.
Molecular consequence: nonsense.
Genome position (GRCh38, 1-based): chr3:129,532,770, C>T. VCF-style: chr3-129532770-C-T. GRCh37 (hg19) VCF-style: chr3-129251613-C-T.
Other names: short protein forms Q312*.
Identifiers: ClinVar variation 636086 (VCV000636086.10), dbSNP rs1578281136, ClinGen allele CA354471051.
Genomic context (GRCh38, chr3:129,532,770, plus strand): 5'-GCGTTCTTTGCCAAGAGCGCCGCCATCTACAACCCTGTCATCTATATCATGATGAACAAG[C>T]AGGTGCCTACTGCGGGTGGGAGGGCCCCAGTGCCCCAGGCCACAGGCGCTGCCTGCCAAG-3'

ClinVar aggregate classification (germline): Pathogenic/Likely pathogenic. Review status: criteria provided, multiple submitters, no conflicts (2 of 4 stars). 5 submissions from 5 submitters: Pathogenic (2); Likely pathogenic (1). 2 of the submissions do not count toward it. Last evaluated 2026-07-15.

Conditions:
Retinitis pigmentosa 4 (RP4). Also called: RETINITIS PIGMENTOSA, RHODOPSIN-RELATED. Identifiers: Orphanet 791, MedGen C3151001, MONDO:0013395, OMIM 613731.
Retinitis pigmentosa (RP). Identifiers: Orphanet 791, MedGen C0035334, MeSH D012174, MONDO:0019200, OMIM 268000. Inheritance: Autosomal dominant, autosomal recessive and X linked inheritance.
RHO-related disorder. Also called: RHO-related condition.

Submissions (5):

Institute of Human Genetics, University of Leipzig Medical Center
Classification: Likely pathogenic for Retinitis pigmentosa 4. Last evaluated: 2026-07-15. Review status: criteria provided, single submitter. Criteria: ACMG Guidelines, 2015. Collection method: clinical testing. Allele origin: unknown. Inheritance: Autosomal dominant inheritance. Affected: yes.
Comment: Criteria applied: PVS1_MOD,PS4_MOD,PM2,PS3_SUP

Labcorp Genetics (formerly Invitae), Labcorp
Classification: Pathogenic. Last evaluated: 2023-08-05. Review status: criteria provided, single submitter. Criteria: Invitae Variant Classification Sherloc (09022015). Collection method: clinical testing. Allele origin: germline.
Comment: Experimental studies have shown that this premature translational stop signal affects RHO function (PMID: 30977563). For these reasons, this variant has been classified as Pathogenic. Algorithms developed to predict the effect of sequence changes on RNA splicing suggest that this variant may disrupt the consensus splice site. Algorithms developed to predict the effect of variants on protein structure and function are not available or were not evaluated for this variant. ClinVar contains an entry for this variant (Variation ID: 636086). This premature translational stop signal has been observed in individuals with autosomal dominant retinitis pigmentosa (PMID: 28559085, 30718709). This variant is not present in population databases (gnomAD no frequency). This sequence change creates a premature translational stop signal (p.Gln312*) in the RHO gene. While this is not anticipated to result in nonsense mediated decay, it is expected to disrupt the last 37 amino acid(s) of the RHO protein.

Blueprint Genetics
Classification: Pathogenic for RHO-related disorders. Last evaluated: 2022-10-27. Review status: criteria provided, single submitter. Criteria: ACMG Guidelines, 2015. Collection method: clinical testing. Allele origin: germline. Affected: yes. Observed: 3 variant alleles.

Clinical Genetics Laboratory, University Hospital Schleswig-Holstein
Classification: Pathogenic for Retinitis pigmentosa 4. Last evaluated: 2024-04-02. Review status: no assertion criteria provided. Collection method: clinical testing. Allele origin: germline. Affected: yes. Not counted in ClinVar's aggregate classification.

Department of Clinical Genetics, Copenhagen University Hospital, Rigshospitalet
Classification: Likely pathogenic for Retinitis pigmentosa. Last evaluated: 2018-04-01. Review status: no assertion criteria provided. Collection method: research. Allele origin: unknown. Affected: yes. Study: VeluxRD. Not counted in ClinVar's aggregate classification.

Literature cited by the submitters: PubMed 30977563 (cited by Labcorp Genetics (formerly Invitae), Labcorp); PubMed 28559085 (cited by Labcorp Genetics (formerly Invitae), Labcorp); PubMed 30718709 (cited by Labcorp Genetics (formerly Invitae), Labcorp and Department of Clinical Genetics, Copenhagen University Hospital, Rigshospitalet).